The following is an entry in ClinVar:

NM_198576.4(AGRN):c.575G>T (p.Arg192Leu)

Gene: AGRN (agrin; plus strand). Cytogenetic location: 1p36.33.
Variant type: single nucleotide variant.
Coding change: c.575G>T on transcript NM_198576.4 (MANE Select); coding-DNA position 575, G replaced by T.
Protein change: p.Arg192Leu; replaces arginine 192 with leucine.
Molecular consequence: missense variant.
Genome position (GRCh38, 1-based): chr1:1,040,728, G>T. VCF-style: chr1-1040728-G-T. GRCh37 (hg19) VCF-style: chr1-976108-G-T.
Other names: c.575G>T, p.Arg192Leu (NM_001305275.2); c.260G>T, p.Arg87Leu (NM_001364727.2); short protein forms R87L, R192L.
Identifiers: ClinVar variation 1042400 (VCV001042400.8), dbSNP rs1319735888, ClinGen allele CA337821743.
Genomic context (GRCh38, chr1:1,040,728, plus strand): 5'-GCCGGGGAATGCTGTGCGGCTTCGGCGCCGTGTGCGAGCCCAACGCGGAGGGGCCGGGCC[G>T]GGCGTCCTGCGTCTGCAAGAAGAGCCCGTGCCCCAGCGTGGTGGCGCCTGTGTGTGGGTC-3'
Protein context (NP_940978.2, residues 182-202): VCEPNAEGPG[Arg192Leu]ASCVCKKSPC

ClinVar aggregate classification (germline): Uncertain significance (1 of 4 stars; one submission).

Conditions:
Congenital myasthenic syndrome 8. Also called: Myasthenic syndrome, congenital, 8, with pre- and postsynaptic defects; MYASTHENIC SYNDROME, CONGENITAL, DUE TO AGRIN DEFICIENCY. Identifiers: Orphanet 590, MedGen C3808739, MONDO:0014052, OMIM 615120.

Allele frequency attached by ClinVar (database versions not stated): gnomAD exomes 0.00001.
gnomAD v4.1: 2 of 1,546,168 alleles (0.00013%); highest among the groups gnomAD compares: Non-Finnish European, 0.000087%; no homozygotes.

Submission:

Labcorp Genetics (formerly Invitae), Labcorp
Classification: Uncertain significance for Congenital myasthenic syndrome 8. Last evaluated: 2020-06-12. Review status: criteria provided, single submitter. Criteria: Invitae Variant Classification Sherloc (09022015). Collection method: clinical testing. Allele origin: germline.
Comment: In summary, the available evidence is currently insufficient to determine the role of this variant in disease. Therefore, it has been classified as a Variant of Uncertain Significance. Algorithms developed to predict the effect of missense changes on protein structure and function are either unavailable or do not agree on the potential impact of this missense change (SIFT: "Deleterious"; PolyPhen-2: "Benign"; Align-GVGD: "Class C0"). This variant has not been reported in the literature in individuals with AGRN-related conditions. The frequency data for this variant in the population databases is considered unreliable, as metrics indicate insufficient coverage at this position in the ExAC database. This sequence change replaces arginine with leucine at codon 192 of the AGRN protein (p.Arg192Leu). The arginine residue is moderately conserved and there is a moderate physicochemical difference between arginine and leucine.